The following is an entry in ClinVar:

NM_000169.3(GLA):c.640-4A>C

Genes: GLA (galactosidase alpha; minus strand), RPL36A-HNRNPH2 (RPL36A-HNRNPH2 readthrough; plus strand). Cytogenetic location: Xq22.1.
Variant type: single nucleotide variant.
Coding change: c.640-4A>C on transcript NM_000169.3 (MANE Select); 4 bases into the intron before coding-DNA position 640, A replaced by C.
Molecular consequence: intron variant.
Genome position (GRCh38, 1-based): chrX:101,398,950, T>G on the plus strand (A>C on the coding strand, the complement: GLA is on the minus strand). VCF-style: chrX-101398950-T-G. GRCh37 (hg19) VCF-style: chrX-100653938-T-G.
Other names: c.300+3493T>G (NM_001199973.2); c.177+7128T>G (NM_001199974.2); c.763-4A>C (NM_001406747.1); c.640-4A>C (NM_001406748.1).
Identifiers: ClinVar variation 405509 (VCV000405509.12), dbSNP rs1060500748, ClinGen allele CA16616415.

ClinVar aggregate classification (germline): Conflicting classifications of pathogenicity. Review status: criteria provided, conflicting classifications (1 of 4 stars). 3 submissions from 3 submitters: Uncertain significance (2); Likely benign (1). Last evaluated 2026-09-08.

Conditions:
Fabry disease. Also called: Fabry's disease; Angiokeratoma corporis diffusum; ALPHA-GALACTOSIDASE A DEFICIENCY; ANDERSON-FABRY DISEASE; CERAMIDE TRIHEXOSIDASE DEFICIENCY; GLA DEFICIENCY. Identifiers: Orphanet 324, MedGen C0002986, MONDO:0010526, OMIM 301500, HP:0001071. Disease mechanism: Fabry disease is due to inactivating mutations in the X-linked GLA gene resulting in deficiency of the enzyme Alpha Galactosidase-A., loss of function.

Allele frequency attached by ClinVar (database versions not stated): gnomAD 0.00001; gnomAD exomes 0.00001.
gnomAD v4.1: 5 of 1,195,311 alleles (0.00042%); highest among the groups gnomAD compares: African/African-American, 0.0035%; no homozygotes.

Submissions (3):

Genomenon, Inc
Classification: Uncertain significance for Fabry disease. Last evaluated: 2026-09-08. Review status: criteria provided, single submitter. Criteria: Genomenon Sequence Variant Interpretation Standards - Updated. Collection method: curation. Allele origin: germline. Affected: no.
Comment: GLA c.640-4A>C is an intronic variant located in the acceptor splice region of intron 4. This variant has been reported in the published literature (PMID:39336803). It is absent or not present at a significant frequency in gnomAD. In silico models predict that this variant is possibly or probably damaging. In conclusion, we classify GLA c.640-4A>C as a variant of uncertain significance.

CeGaT Center for Human Genetics Tuebingen
Classification: Likely benign. Last evaluated: 2026-08-01. Review status: criteria provided, single submitter. Criteria: CeGaT Center For Human Genetics Tuebingen Variant Classification Criteria Version 2. Collection method: clinical testing. Allele origin: germline. Affected: yes. Observed: 1 variant allele.
Comment: GLA: BP4

Labcorp Genetics (formerly Invitae), Labcorp
Classification: Uncertain significance for Fabry disease. Last evaluated: 2025-12-31. Review status: criteria provided, single submitter. Criteria: Invitae Variant Classification Sherloc (09022015). Collection method: clinical testing. Allele origin: germline.
Comment: This sequence change falls in intron 4 of the GLA gene. It does not directly change the encoded amino acid sequence of the GLA protein. This variant is present in population databases (no rsID available, gnomAD no frequency). This variant has not been reported in the literature in individuals affected with GLA-related conditions. ClinVar contains an entry for this variant (Variation ID: 405509). Algorithms developed to predict the effect of sequence changes on RNA splicing suggest that this variant may disrupt the consensus splice site. In summary, the available evidence is currently insufficient to determine the role of this variant in disease. Therefore, it has been classified as a Variant of Uncertain Significance.

Literature cited by the submitters: PubMed 39336803 (cited by Genomenon, Inc).